The following is an entry in ClinVar:

ClinVar aggregate classification (germline): Conflicting classifications of pathogenicity. Review status: criteria provided, conflicting classifications (1 of 4 stars). 8 submissions from 8 submitters: Uncertain significance (4); Likely benign (3). 1 of the submissions does not count toward it. Last evaluated 2026-01-18.

Conditions:
ADGRV1-related disorder. Also called: ADGRV1-related condition; ADGRV1-related disorders.
Inborn genetic diseases. Identifiers: MedGen C0950123, MeSH D030342.
Usher syndrome type 2C. Also called: Usher syndrome, type 2B; USHER SYNDROME, TYPE IIC. Identifiers: Orphanet 231178, Orphanet 886, MedGen C2931213, MONDO:0011558, OMIM 605472.
Febrile seizures, familial, 4 (FEB4). Also called: CONVULSIONS, FAMILIAL FEBRILE, 4. Identifiers: MedGen C1858493, MONDO:0011443, OMIM 604352.

Allele frequency attached by ClinVar (database versions not stated): ESP Exome Variant Server 0.00075; gnomAD 0.00080 and 0.00083; TOPMed 0.00091; gnomAD exomes 0.00007 and 0.00019; ExAC 0.00022; 1000 Genomes Project 0.00060; 1000 Genomes Project 30x 0.00062.

Submissions (9):

Labcorp Genetics (formerly Invitae), Labcorp
Classification: Likely benign. Last evaluated: 2026-01-18. Review status: criteria provided, single submitter. Criteria: Invitae Variant Classification Sherloc (09022015). Collection method: clinical testing. Allele origin: germline.

Blueprint Genetics
Classification: Likely benign. Last evaluated: 2024-11-26. Review status: criteria provided, single submitter. Criteria: ACMG Guidelines, 2015. Collection method: clinical testing. Allele origin: germline.

Ambry Genetics
Classification: Uncertain significance for Inborn genetic diseases. Last evaluated: 2021-08-02. Review status: criteria provided, single submitter. Criteria: Ambry Variant Classification Scheme 2023. Collection method: clinical testing. Allele origin: germline.

GeneDx
Classification: Likely benign. Last evaluated: 2020-06-29. Review status: criteria provided, single submitter. Criteria: GeneDx Variant Classification Process June 2021. Collection method: clinical testing. Allele origin: germline. Affected: yes.

Athena Diagnostics
Classification: Uncertain significance. Last evaluated: 2018-11-27. Review status: criteria provided, single submitter. Criteria: Athena Diagnostics Criteria. Collection method: clinical testing. Allele origin: germline.

Fulgent Genetics
Classification: Uncertain significance for Febrile seizures, familial, 4; Usher syndrome type 2C. Last evaluated: 2018-10-31. Review status: criteria provided, single submitter. Criteria: ACMG Guidelines, 2015. Collection method: clinical testing. Allele origin: unknown.

Eurofins Ntd Llc (ga)
Classification: Uncertain significance. Last evaluated: 2015-09-28. Review status: criteria provided, single submitter. Criteria: EGL Classification Definitions 2015. Collection method: clinical testing. Allele origin: germline. Observed: 1 variant allele, 1 heterozygote.

PreventionGenetics, part of Exact Sciences
Classification: Likely benign for ADGRV1-related condition. Last evaluated: 2024-06-06. Review status: no assertion criteria provided. Collection method: clinical testing. Allele origin: germline. Not counted in ClinVar's aggregate classification.
Comment: This variant is classified as likely benign based on ACMG/AMP sequence variant interpretation guidelines (Richards et al. 2015 PMID: 25741868, with internal and published modifications).

Dr. Peter K. Rogan Lab, Western University
No classification provided (evidence only). Condition: Uterine corpus endometrial carcinoma. Review status: no classification provided. Collection method: in vitro. Allele origin: not applicable. Functional consequence: retained intron. Not counted in ClinVar's aggregate classification.

NM_032119.4(ADGRV1):c.17758C>A (p.Leu5920Ile)

Gene: ADGRV1 (adhesion G protein-coupled receptor V1; plus strand). Cytogenetic location: 5q14.3.
Variant type: single nucleotide variant.
Coding change: c.17758C>A on transcript NM_032119.4 (MANE Select); coding-DNA position 17758, C replaced by A.
Protein change: p.Leu5920Ile; replaces leucine 5920 with isoleucine.
Molecular consequence: missense variant. On other transcripts: non-coding transcript variant (1).
Genome position (GRCh38, 1-based): chr5:90,863,759, C>A. VCF-style: chr5-90863759-C-A. GRCh37 (hg19) VCF-style: chr5-90159576-C-A.
Other names: short protein forms L5920I.
Identifiers: ClinVar variation 283512 (VCV000283512.24), dbSNP rs202110635, ClinGen allele CA3342447.